The following is an entry in ClinVar:

NM_000501.4(ELN):c.645T>A (p.Gly215=)

Gene: ELN (elastin; plus strand). Cytogenetic location: 7q11.23.
Variant type: single nucleotide variant.
Coding change: c.645T>A on transcript NM_000501.4 (MANE Select); coding-DNA position 645, T replaced by A.
Protein change: p.Gly215=; no amino-acid change (glycine 215 retained).
Molecular consequence: synonymous variant. On other transcripts: intron variant (2).
Genome position (GRCh38, 1-based): chr7:74,047,676, T>A. VCF-style: chr7-74047676-T-A. GRCh37 (hg19) VCF-style: chr7-73462006-T-A.
Other names: c.660T>A, p.Gly220= (NM_001081753.3, NM_001081754.3); c.615T>A, p.Gly205= (NM_001081752.3, NM_001278917.2); c.645T>A, p.Gly215= (NM_001081755.3, NM_001278912.2, NM_001278915.2 and 1 more transcripts); c.630T>A, p.Gly210= (NM_001278914.2); c.513T>A, p.Gly171= (NM_001278918.2); c.644-466T>A (NM_001278916.2); c.578-466T>A (NM_001278913.2).
Identifiers: ClinVar variation 1806789 (VCV001806789.1), dbSNP rs1554673347, ClinGen allele CA455884200.

ClinVar aggregate classification (germline): Uncertain significance (1 of 4 stars; one submission).

Allele frequency attached by ClinVar (database versions not stated): gnomAD exomes 0.00001.
gnomAD v4.1: 8 of 1,614,156 alleles (0.0005%); highest among the groups gnomAD compares: South Asian, 0.0088%; no homozygotes.

Submission:

GeneDx
Classification: Uncertain significance. Last evaluated: 2022-06-20. Review status: criteria provided, single submitter. Criteria: GeneDx Variant Classification Process June 2021. Collection method: clinical testing. Allele origin: germline. Affected: yes.
Comment: Has not been previously published as pathogenic or benign to our knowledge; Not observed at significant frequency in large population cohorts (gnomAD); In silico analysis, which includes splice predictors and evolutionary conservation, suggests this variant may impact gene splicing. In the absence of RNA/functional studies, the actual effect of this sequence change is unknown.